The following is an entry in ClinVar:

NM_000548.5(TSC2):c.2458A>G (p.Ile820Val)

Gene: TSC2 (TSC complex subunit 2; plus strand). Cytogenetic location: 16p13.3.
Variant type: single nucleotide variant.
Coding change: c.2458A>G on transcript NM_000548.5 (MANE Select); coding-DNA position 2458, A replaced by G.
Protein change: p.Ile820Val; replaces isoleucine 820 with valine.
Molecular consequence: missense variant.
Genome position (GRCh38, 1-based): chr16:2,074,302, A>G. VCF-style: chr16-2074302-A-G. GRCh37 (hg19) VCF-style: chr16-2124303-A-G.
Other names: c.2458A>G, p.Ile820Val (NM_001077183.3, NM_001114382.3, NM_001363528.2 and 3 more transcripts); c.2347A>G, p.Ile783Val (NM_001318827.2); c.2311A>G, p.Ile771Val (NM_001318829.2); c.1858A>G, p.Ile620Val (NM_001318831.2); c.2491A>G, p.Ile831Val (NM_001318832.2); short protein forms I620V, I783V, I831V, I820V, I771V.
Identifiers: ClinVar variation 949937 (VCV000949937.11), dbSNP rs754451657, ClinGen allele CA394277511.

ClinVar aggregate classification (germline): Uncertain significance. Review status: criteria provided, multiple submitters, no conflicts (2 of 4 stars). 2 submissions from 2 submitters: Uncertain significance (2). Last evaluated 2025-05-16.

Conditions:
Hereditary cancer-predisposing syndrome. Also called: Hereditary neoplastic syndrome; Tumor predisposition; Neoplastic Syndromes, Hereditary; Hereditary Cancer Syndrome. Identifiers: Orphanet 140162, MedGen C0027672, MeSH D009386, MONDO:0015356.
Tuberous sclerosis 2 (TSC2). Identifiers: Orphanet 805, MedGen C1860707, MONDO:0013199, OMIM 613254.

gnomAD v4.1: 2 of 1,613,166 alleles (0.00012%); no homozygotes.

Submissions (2):

Ambry Genetics
Classification: Uncertain significance for Hereditary cancer-predisposing syndrome. Last evaluated: 2025-05-16. Review status: criteria provided, single submitter. Criteria: Ambry Variant Classification Scheme 2023. Collection method: clinical testing. Allele origin: germline.
Comment: The p.I820V variant (also known as c.2458A>G), located in coding exon 21 of the TSC2 gene, results from an A to G substitution at nucleotide position 2458. The isoleucine at codon 820 is replaced by valine, an amino acid with highly similar properties. This amino acid position is well conserved in available vertebrate species. In addition, the in silico prediction for this alteration is inconclusive. Since supporting evidence is limited at this time, the clinical significance of this alteration remains unclear.

Labcorp Genetics (formerly Invitae), Labcorp
Classification: Uncertain significance for Tuberous sclerosis 2. Last evaluated: 2025-04-06. Review status: criteria provided, single submitter. Criteria: Invitae Variant Classification Sherloc (09022015). Collection method: clinical testing. Allele origin: germline.
Comment: This sequence change replaces isoleucine, which is neutral and non-polar, with valine, which is neutral and non-polar, at codon 820 of the TSC2 protein (p.Ile820Val). This variant is not present in population databases (gnomAD no frequency). This variant has not been reported in the literature in individuals affected with TSC2-related conditions. ClinVar contains an entry for this variant (Variation ID: 949937). Invitae Evidence Modeling of protein sequence and biophysical properties (such as structural, functional, and spatial information, amino acid conservation, physicochemical variation, residue mobility, and thermodynamic stability) indicates that this missense variant is not expected to disrupt TSC2 protein function with a negative predictive value of 95%. In summary, the available evidence is currently insufficient to determine the role of this variant in disease. Therefore, it has been classified as a Variant of Uncertain Significance.